The following is an entry in ClinVar:

NM_001369369.1(FOXN1):c.-14-45A>C

Gene: FOXN1 (forkhead box N1; plus strand). Cytogenetic location: 17q11.2.
Variant type: single nucleotide variant.
Coding change: c.-14-45A>C on transcript NM_001369369.1 (MANE Select); 45 bases into the intron before 14 bases upstream of the start codon, A replaced by C.
Molecular consequence: intron variant.
Genome position (GRCh38, 1-based): chr17:28,523,911, A>C. VCF-style: chr17-28523911-A-C. GRCh37 (hg19) VCF-style: chr17-26850929-A-C.
Identifiers: ClinVar variation 1182314 (VCV001182314.5), dbSNP rs483434, ClinGen allele CA14447049.
Genomic context (GRCh38, chr17:28,523,911, plus strand): 5'-GGCAGGGTCCCAGCCCAAGGATGGGGTTGGGGTGGAGGTGGCGAACCTGGGTTGGTCCCC[A>C]CTGGATGCTGGTCCTCACTCTCATGGCAGACGGCTTTCTTTGAGGCCAGGACTGGGTGAT-3'

ClinVar aggregate classification (germline): Benign. Review status: criteria provided, multiple submitters, no conflicts (2 of 4 stars). 3 submissions from 3 submitters: Benign (3). Last evaluated 2024-01-24.

Allele frequency attached by ClinVar (database versions not stated): TOPMed 0.91648; 1000 Genomes Project 0.89856.
gnomAD v4.1: 1,503,483 of 1,610,276 alleles (93%); highest among the groups gnomAD compares: East Asian, 98%; 703,033 homozygotes.

Submissions (3):

Unidad de Genómica Garrahan, Hospital de Pediatría Garrahan
Classification: Benign. Last evaluated: 2024-01-24. Review status: criteria provided, single submitter. Criteria: ACMG Guidelines, 2015. Collection method: clinical testing. Allele origin: germline. Affected: no. Observed: 64 variant alleles.
Comment: This variant is classified as Benign based on local population frequency. This variant was detected in 67% of patients studied by a panel of primary immunodeficiencies. Number of patients: 64. Only high quality variants are reported.

GeneDx
Classification: Benign. Last evaluated: 2018-06-23. Review status: criteria provided, single submitter. Criteria: GeneDx Variant Classification Process June 2021. Collection method: clinical testing. Allele origin: germline. Affected: yes.

Breakthrough Genomics
Classification: Benign. Review status: criteria provided, single submitter. Criteria: ACMG Guidelines, 2015. Collection method: not provided. Allele origin: germline. Inheritance: Autosomal recessive inheritance. Affected: yes.